The following is an entry in ClinVar:

NM_015272.5(RPGRIP1L):c.3211G>A (p.Glu1071Lys)

Gene: RPGRIP1L (RPGRIP1 like; minus strand). Cytogenetic location: 16q12.2.
Variant type: single nucleotide variant.
Coding change: c.3211G>A on transcript NM_015272.5 (MANE Select); coding-DNA position 3211, G replaced by A.
Protein change: p.Glu1071Lys; replaces glutamic acid 1071 with lysine.
Molecular consequence: missense variant.
Genome position (GRCh38, 1-based): chr16:53,637,704, C>T on the plus strand (G>A on the coding strand, the complement: RPGRIP1L is on the minus strand). VCF-style: chr16-53637704-C-T. GRCh37 (hg19) VCF-style: chr16-53671616-C-T.
Other names: c.3109G>A, p.Glu1037Lys (NM_001127897.4, NM_001330538.2); c.3211G>A, p.Glu1071Lys (NM_001308334.3); c.3211G>A (NM_015272.4); short protein forms E1037K, E1071K.
Identifiers: ClinVar variation 220305 (VCV000220305.10), dbSNP rs864622470, ClinGen allele CA350177.

ClinVar aggregate classification (germline): Uncertain significance. Review status: criteria provided, single submitter (1 of 4 stars). 2 submissions from 2 submitters: Uncertain significance (1). 1 of the submissions does not count toward it. Last evaluated 2019-11-12.

Conditions:
Meckel-Gruber syndrome. Also called: Dysencephalia splachnocystica; DYSENCEPHALIA SPLANCHNOCYSTICA; GRUBER SYNDROME. Identifiers: Orphanet 564, MedGen C0265215, MONDO:0018921.
Joubert syndrome. Also called: CEREBELLOPARENCHYMAL DISORDER IV; JOUBERT-BOLTSHAUSER SYNDROME; Familial aplasia of the vermis. Identifiers: Orphanet 475, MedGen C5979921, MONDO:0018772.

Allele frequency attached by ClinVar (database versions not stated): gnomAD exomes below 0.00001; TOPMed below 0.00001.
gnomAD v4.1: 3 of 1,608,980 alleles (0.00019%); highest among the groups gnomAD compares: Non-Finnish European, 0.00025%; no homozygotes.

Submissions (2):

Labcorp Genetics (formerly Invitae), Labcorp
Classification: Uncertain significance for Joubert syndrome; Meckel-Gruber syndrome. Last evaluated: 2019-11-12. Review status: criteria provided, single submitter. Criteria: Invitae Variant Classification Sherloc (09022015). Collection method: clinical testing. Allele origin: germline.
Comment: In summary, this is a novel missense change with uncertain impact on protein function. It has been classified as a Variant of Uncertain Significance. Algorithms developed to predict the effect of missense changes on protein structure and function do not agree on the potential impact of this missense change (SIFT: "Tolerated"; PolyPhen-2: "Probably Damaging"; Align-GVGD: "Class C0"). This variant is not present in population databases (ExAC no frequency) and has not been reported in the literature. This sequence change replaces glutamic acid with lysine at codon 1071 of the RPGRIP1L protein (p.Glu1071Lys). The glutamic acid residue is moderately conserved and there is a small physicochemical difference between glutamic acid and lysine.

Natera, Inc.
Classification: Uncertain significance for Joubert syndrome. Last evaluated: 2025-02-05. Review status: no assertion criteria provided. Collection method: clinical testing. Allele origin: germline. Not counted in ClinVar's aggregate classification.